The following is an entry in ClinVar:

ClinVar aggregate classification (germline): Likely pathogenic. Review status: criteria provided, single submitter (1 of 4 stars). 2 submissions from 2 submitters: Likely pathogenic (1). 1 of the submissions does not count toward it. Last evaluated 2024-01-22.

Conditions:
Tuberous sclerosis syndrome (TSC). Also called: Tuberous Sclerosis Complex; Tuberous sclerosis. Identifiers: Orphanet 805, MedGen C0041341, MONDO:0001734.

Submissions (2):

Athena Diagnostics
Classification: Likely pathogenic. Last evaluated: 2024-01-22. Review status: criteria provided, single submitter. Criteria: Athena Diagnostics Criteria. Collection method: clinical testing. Allele origin: unknown.
Comment: This variant has been identified in at least one individual with clinical features associated with this gene. This variant appears to occur de novo in this individual in at least one individual tested at Athena Diagnostics with clinical features associated with this gene. This variant has not been reported in large, multi-ethnic general populations. Computational tools predict that this variant is damaging.

Tuberous sclerosis database (TSC2)
No classification provided. Condition: TSC. Review status: no classification provided. Criteria: Tuberous Sclerosis Database Assertion Criteria 2015. Collection method: curation. Allele origin: germline. Affected: yes. Not counted in ClinVar's aggregate classification.

Literature cited by the submitters: PubMed 16981987 (cited by Athena Diagnostics); PubMed 20165957 (cited by Athena Diagnostics).

NM_000548.5(TSC2):c.2210T>C (p.Leu737Pro)

Gene: TSC2 (TSC complex subunit 2; plus strand). Cytogenetic location: 16p13.3.
Variant type: single nucleotide variant.
Coding change: c.2210T>C on transcript NM_000548.5 (MANE Select); coding-DNA position 2210, T replaced by C.
Protein change: p.Leu737Pro; replaces leucine 737 with proline.
Molecular consequence: missense variant.
Genome position (GRCh38, 1-based): chr16:2,072,353, T>C. VCF-style: chr16-2072353-T-C. GRCh37 (hg19) VCF-style: chr16-2122354-T-C.
Other names: c.2210T>C, p.Leu737Pro (NM_001077183.3, NM_001114382.3, NM_001363528.2 and 3 more transcripts); c.2099T>C, p.Leu700Pro (NM_001318827.2); c.2063T>C, p.Leu688Pro (NM_001318829.2); c.1610T>C, p.Leu537Pro (NM_001318831.2); c.2243T>C, p.Leu748Pro (NM_001318832.2); short protein forms L737P, L688P, L748P, L537P, L700P.
Identifiers: ClinVar variation 49601 (VCV000049601.2), dbSNP rs45464093, ClinGen allele CA016935.